The following is an entry in ClinVar:

NM_002292.4(LAMB2):c.4804del (p.Gln1602fs)

Gene: LAMB2 (laminin subunit beta 2; minus strand). Cytogenetic location: 3p21.31.
Variant type: Deletion.
Coding change: c.4804del on transcript NM_002292.4 (MANE Select); coding-DNA position 4804, one base deleted (C; older notation c.4804delC).
Protein change: p.Gln1602fs; shifts the reading frame from glutamine 1602.
Molecular consequence: frameshift variant.
Genome position (GRCh38, 1-based): chr3:49,122,063, G deleted on the plus strand (C on the coding strand, the reverse complement: LAMB2 is on the minus strand). VCF-style (leftmost placement, unchanged base first): chr3-49122062-TG-T. GRCh37 (hg19) VCF-style: chr3-49159495-TG-T.
Other names: short protein forms Q1602fs.
Identifiers: ClinVar variation 14538 (VCV000014538.9), dbSNP rs769399002, ClinGen allele CA212957.

ClinVar aggregate classification (germline): Pathogenic. Review status: criteria provided, single submitter (1 of 4 stars). 2 submissions from 2 submitters: Pathogenic (1). 1 of the submissions does not count toward it. Last evaluated 2021-04-12.

Conditions:
LAMB2-related infantile-onset nephrotic syndrome. Also called: NEPHROTIC SYNDROME, TYPE 5, WITHOUT OCULAR ABNORMALITIES; NEPHROTIC SYNDROME, TYPE 5, WITH OCULAR ABNORMALITIES; Nephrotic Syndrome, type 5. Identifiers: Orphanet 306507, MedGen C3280113, MONDO:0013621, OMIM 614199.
Pierson syndrome. Also called: MICROCORIA-CONGENITAL NEPHROTIC SYNDROME. Identifiers: Orphanet 2670, MedGen C1836876, MONDO:0012184, OMIM 609049.

Allele frequency attached by ClinVar (database versions not stated): ExAC 0.00001; gnomAD 0.00001; gnomAD exomes 0.00001; TOPMed 0.00001.

Submissions (2):

Labcorp Genetics (formerly Invitae), Labcorp
Classification: Pathogenic for LAMB2-related infantile-onset nephrotic syndrome; Pierson syndrome. Last evaluated: 2021-04-12. Review status: criteria provided, single submitter. Criteria: Invitae Variant Classification Sherloc (09022015). Collection method: clinical testing. Allele origin: germline.
Comment: For these reasons, this variant has been classified as Pathogenic. This variant has been observed in individual(s) with congenital myasthenic syndrome (PMID: 19251977). ClinVar contains an entry for this variant (Variation ID: 14538). This variant is present in population databases (rs769399002, ExAC 0.002%). This sequence change creates a premature translational stop signal (p.Gln1602Argfs*52) in the LAMB2 gene. It is expected to result in an absent or disrupted protein product. Loss-of-function variants in LAMB2 are known to be pathogenic (PMID: 15367484).

OMIM
Classification: Pathogenic for NEPHROTIC SYNDROME, TYPE 5, WITH OCULAR ABNORMALITIES. Last evaluated: 2009-03-01. Review status: no assertion criteria provided. Collection method: literature only. Allele origin: germline. Not counted in ClinVar's aggregate classification.

Literature cited by the submitters: PubMed 19251977 (cited by Labcorp Genetics (formerly Invitae), Labcorp and OMIM); PubMed 15367484 (cited by Labcorp Genetics (formerly Invitae), Labcorp).